The following is an entry in ClinVar:

NM_002529.4(NTRK1):c.470G>T (p.Arg157Leu)

Gene: NTRK1 (neurotrophic receptor tyrosine kinase 1; plus strand). Cytogenetic location: 1q23.1.
Variant type: single nucleotide variant.
Coding change: c.470G>T on transcript NM_002529.4 (MANE Select); coding-DNA position 470, G replaced by T.
Protein change: p.Arg157Leu; replaces arginine 157 with leucine.
Molecular consequence: missense variant.
Genome position (GRCh38, 1-based): chr1:156,868,145, G>T. VCF-style: chr1-156868145-G-T. GRCh37 (hg19) VCF-style: chr1-156837937-G-T.
Other names: c.470G>T, p.Arg157Leu (NM_001007204.1, NM_001012331.2); c.380G>T, p.Arg127Leu (NM_001007792.1); short protein forms R127L, R157L.
Identifiers: ClinVar variation 1980669 (VCV001980669.1), dbSNP rs141021604, ClinGen allele CA1168992.

ClinVar aggregate classification (germline): Uncertain significance (1 of 4 stars; one submission).

Conditions:
Hereditary insensitivity to pain with anhidrosis (CIPA). Also called: HSAN Type IV; hereditary sensory and autonomic neuropathy type 4; NEUROPATHY, CONGENITAL SENSORY, WITH ANHIDROSIS; FAMILIAL DYSAUTONOMIA, TYPE II; NTRK1 Congenital Insensitivity to Pain with Anhidrosis; INSENSITIVITY TO PAIN, CONGENITAL, WITH ANHIDROSIS. Identifiers: Orphanet 642, MedGen C0020074, MONDO:0009746, OMIM 256800.

gnomAD v4.1: 16 of 1,613,744 alleles (0.00099%); highest among the groups gnomAD compares: East Asian, 0.0022%; no homozygotes.

Submission:

Labcorp Genetics (formerly Invitae), Labcorp
Classification: Uncertain significance for Hereditary insensitivity to pain with anhidrosis. Last evaluated: 2022-04-20. Review status: criteria provided, single submitter. Criteria: Invitae Variant Classification Sherloc (09022015). Collection method: clinical testing. Allele origin: germline.
Comment: This sequence change replaces arginine, which is basic and polar, with leucine, which is neutral and non-polar, at codon 157 of the NTRK1 protein (p.Arg157Leu). This variant is present in population databases (rs141021604, gnomAD 0.006%). This variant has not been reported in the literature in individuals affected with NTRK1-related conditions. Advanced modeling of protein sequence and biophysical properties (such as structural, functional, and spatial information, amino acid conservation, physicochemical variation, residue mobility, and thermodynamic stability) performed at Invitae indicates that this missense variant is not expected to disrupt NTRK1 protein function. In summary, the available evidence is currently insufficient to determine the role of this variant in disease. Therefore, it has been classified as a Variant of Uncertain Significance.